The following is an entry in ClinVar:

NM_194248.3(OTOF):c.41G>A (p.Arg14Gln)

Gene: OTOF (otoferlin; minus strand). Cytogenetic location: 2p23.3.
Variant type: single nucleotide variant.
Coding change: c.41G>A on transcript NM_194248.3 (MANE Select); coding-DNA position 41, G replaced by A.
Protein change: p.Arg14Gln; replaces arginine 14 with glutamine.
Molecular consequence: missense variant.
Genome position (GRCh38, 1-based): chr2:26,558,531, C>T on the plus strand (G>A on the coding strand, the complement: OTOF is on the minus strand). VCF-style: chr2-26558531-C-T. GRCh37 (hg19) VCF-style: chr2-26781399-C-T.
Other names: c.41G>A, p.Arg14Gln (NM_001287489.2); short protein forms R14Q.
Identifiers: ClinVar variation 3622803 (VCV003622803.2).

ClinVar aggregate classification (germline): Uncertain significance (1 of 4 stars; one submission).

Submission:

Labcorp Genetics (formerly Invitae), Labcorp
Classification: Uncertain significance. Last evaluated: 2024-09-06. Review status: criteria provided, single submitter. Criteria: Invitae Variant Classification Sherloc (09022015). Collection method: clinical testing. Allele origin: germline.
Comment: This sequence change replaces arginine, which is basic and polar, with glutamine, which is neutral and polar, at codon 14 of the OTOF protein (p.Arg14Gln). This variant is not present in population databases (gnomAD no frequency). This variant has not been reported in the literature in individuals affected with OTOF-related conditions. Invitae Evidence Modeling of protein sequence and biophysical properties (such as structural, functional, and spatial information, amino acid conservation, physicochemical variation, residue mobility, and thermodynamic stability) indicates that this missense variant is not expected to disrupt OTOF protein function with a negative predictive value of 95%. In summary, the available evidence is currently insufficient to determine the role of this variant in disease. Therefore, it has been classified as a Variant of Uncertain Significance.